The following is an entry in ClinVar:

NM_001267550.2(TTN):c.54718G>A (p.Val18240Ile)

Genes: TTN (titin; minus strand), TTN-AS1 (TTN antisense RNA 1; plus strand). Cytogenetic location: 2q31.2.
Variant type: single nucleotide variant.
Coding change: c.54718G>A on transcript NM_001267550.2 (MANE Select); coding-DNA position 54718, G replaced by A.
Protein change: p.Val18240Ile; replaces valine 18240 with isoleucine.
Molecular consequence: missense variant.
Genome position (GRCh38, 1-based): chr2:178,603,969, C>T on the plus strand (G>A on the coding strand, the complement: TTN is on the minus strand). VCF-style: chr2-178603969-C-T. GRCh37 (hg19) VCF-style: chr2-179468696-C-T.
Other names: c.49795G>A, p.Val16599Ile (NM_001256850.1); c.27523G>A, p.Val9175Ile (NM_003319.4); c.47014G>A, p.Val15672Ile (NM_133378.4); c.27898G>A, p.Val9300Ile (NM_133432.3); c.28099G>A, p.Val9367Ile (NM_133437.4); short protein forms V15672I, V16599I, V18240I, V9367I, V9175I, V9300I.
Identifiers: ClinVar variation 283028 (VCV000283028.16), dbSNP rs375141729, ClinGen allele CA1993584.

ClinVar aggregate classification (germline): Conflicting classifications of pathogenicity. Review status: criteria provided, conflicting classifications (1 of 4 stars). 7 submissions from 7 submitters: Uncertain significance (4); Likely benign (3). Last evaluated 2026-09-08.

Conditions:
Dilated cardiomyopathy 1G (CMD1G). Identifiers: Orphanet 154, MedGen C1858763, MONDO:0011400, OMIM 604145.
Autosomal recessive limb-girdle muscular dystrophy type 2J (LGMDR10). Also called: Limb-girdle muscular dystrophy, type 2J; MUSCULAR DYSTROPHY, LIMB-GIRDLE, AUTOSOMAL RECESSIVE 10. Identifiers: Orphanet 140922, MedGen C1837342, MONDO:0012127, OMIM 608807.
TTN-related disorder. Also called: TTN-related condition; TTN-related disease; TTN-related disorders.

Allele frequency attached by ClinVar (database versions not stated): ExAC 0.00002; gnomAD exomes 0.00002 and 0.00003; ESP Exome Variant Server 0.00008; TOPMed 0.00012; 1000 Genomes Project 30x 0.00016; gnomAD 0.00017 and 0.00019.
gnomAD v4.1: 84 of 1,612,680 alleles (0.0052%); highest among the groups gnomAD compares: African/African-American, 0.06%; no homozygotes.

Submissions (7):

PreventionGenetics, part of Exact Sciences
Classification: Uncertain significance for TTN-related condition. Last evaluated: 2026-09-08. Review status: criteria provided, single submitter. Criteria: ACMG Guidelines, 2015. Collection method: clinical testing. Allele origin: germline.
Comment: The TTN c.54718G>A variant is predicted to result in the amino acid substitution p.Val18240Ile. To our knowledge, this variant has not been reported in the literature. This variant is reported in 0.041% of alleles in individuals of African descent in gnomAD. At this time, the clinical significance of this variant is uncertain due to the absence of conclusive functional and genetic evidence.

Women's Health and Genetics/Laboratory Corporation of America, LabCorp
Classification: Likely benign. Last evaluated: 2026-02-16. Review status: criteria provided, single submitter. Criteria: LabCorp Variant Classification Summary - May 2015. Collection method: clinical testing. Allele origin: germline.
Comment: Variant summary: TTN c.47014G>A (p.Val15672Ile) results in a conservative amino acid change in the encoded protein sequence. Algorithms developed to predict the effect of missense changes on protein structure and function are either unavailable or do not agree on the potential impact of this missense change. The variant allele was found at a frequency of 5.2e-05 in 1612680 control chromosomes, predominantly at a frequency of 0.0006 within the African or African-American subpopulation in the gnomAD database. The observed variant frequency within African or African-American control individuals in the gnomAD database exceeds the estimated maximal expected allele frequency for disease-causing variants in TTN. To our knowledge, no occurrence of c.47014G>A in individuals affected with TTN-related conditions and no experimental evidence demonstrating its impact on protein function have been reported. ClinVar contains an entry for this variant (Variation ID: 283028). Based on the evidence outlined above, the variant was classified as likely benign.

Molecular Diagnostic Laboratory for Inherited Cardiovascular Disease, Montreal Heart Institute
Classification: Likely benign. Last evaluated: 2025-04-09. Review status: criteria provided, single submitter. Criteria: ACMG Guidelines, 2015. Collection method: clinical testing. Allele origin: germline. Affected: no.

GeneDx
Classification: Likely benign. Last evaluated: 2020-04-14. Review status: criteria provided, single submitter. Criteria: GeneDx Variant Classification Process June 2021. Collection method: clinical testing. Allele origin: germline. Affected: yes.

Revvity Omics, Revvity
Classification: Uncertain significance. Last evaluated: 2019-06-18. Review status: criteria provided, single submitter. Criteria: ACMG Guidelines, 2015. Collection method: clinical testing. Allele origin: germline.

Labcorp Genetics (formerly Invitae), Labcorp
Classification: Uncertain significance for Dilated cardiomyopathy 1G; Autosomal recessive limb-girdle muscular dystrophy type 2J. Last evaluated: 2017-10-28. Review status: criteria provided, single submitter. Criteria: Invitae Variant Classification Sherloc (09022015). Collection method: clinical testing. Allele origin: germline.

Eurofins Ntd Llc (ga)
Classification: Uncertain significance. Last evaluated: 2015-09-15. Review status: criteria provided, single submitter. Criteria: EGL Classification Definitions 2015. Collection method: clinical testing. Allele origin: germline. Observed: 2 variant alleles, 2 heterozygotes.